The following is an entry in ClinVar:

NM_198559.2(CATIP):c.1087G>A (p.Ala363Thr)

Genes: CATIP (ciliogenesis associated TTC17 interacting protein; plus strand), CATIP-AS1 (CATIP antisense RNA 1; minus strand), LOC129935598 (ATAC-STARR-seq lymphoblastoid silent region 12315; plus strand). Cytogenetic location: 2q35.
Variant type: single nucleotide variant.
Coding change: c.1087G>A on transcript NM_198559.2 (MANE Select); coding-DNA position 1087, G replaced by A.
Protein change: p.Ala363Thr; replaces alanine 363 with threonine.
Molecular consequence: missense variant. On other transcripts: non-coding transcript variant (1).
Genome position (GRCh38, 1-based): chr2:218,367,887, G>A. VCF-style: chr2-218367887-G-A. GRCh37 (hg19) VCF-style: chr2-219232610-G-A.
Other names: c.1120G>A, p.Ala374Thr (NM_001320865.2); short protein forms A374T, A363T.
Identifiers: ClinVar variation 2455164 (VCV002455164.18), dbSNP rs142470785, ClinGen allele CA2104656.

ClinVar aggregate classification (germline): Uncertain significance. Review status: criteria provided, multiple submitters, no conflicts (2 of 4 stars). 2 submissions from 2 submitters: Uncertain significance (2). Last evaluated 2025-05-20.

Allele frequency attached by ClinVar (database versions not stated): 1000 Genomes Project 0.00040; ExAC 0.00045; gnomAD 0.00058; TOPMed 0.00059; 1000 Genomes Project 30x 0.00062; ESP Exome Variant Server 0.00077; gnomAD exomes 0.00091.
gnomAD v4.1: 1,432 of 1,612,622 alleles (0.089%); highest among the groups gnomAD compares: Non-Finnish European, 0.11%; 3 homozygotes.

Submissions (2):

Ambry Genetics
Classification: Uncertain significance. Last evaluated: 2025-05-20. Review status: criteria provided, single submitter. Criteria: Ambry Variant Classification Scheme 2023. Collection method: clinical testing. Allele origin: germline.

CeGaT Center for Human Genetics Tuebingen
Classification: Uncertain significance. Last evaluated: 2024-08-01. Review status: criteria provided, single submitter. Criteria: CeGaT Center For Human Genetics Tuebingen Variant Classification Criteria Version 2. Collection method: clinical testing. Allele origin: germline. Affected: yes. Observed: 1 variant allele.
Comment: CATIP: PM2, BP4